The following is an entry in ClinVar:

NM_001354604.2(MITF):c.653C>A (p.Ala218Glu)

Gene: MITF (melanocyte inducing transcription factor; plus strand). Cytogenetic location: 3p13.
Variant type: single nucleotide variant.
Coding change: c.653C>A on transcript NM_001354604.2 (MANE Select); coding-DNA position 653, C replaced by A.
Protein change: p.Ala218Glu; replaces alanine 218 with glutamic acid.
Molecular consequence: missense variant.
Genome position (GRCh38, 1-based): chr3:69,939,168, C>A. VCF-style: chr3-69939168-C-A. GRCh37 (hg19) VCF-style: chr3-69988319-C-A.
Other names: c.332C>A, p.Ala111Glu (NM_000248.4, NM_198158.3); c.497C>A, p.Ala166Glu (NM_001184967.2, NM_001354608.2); c.650C>A, p.Ala217Glu (NM_001354605.2, NM_001354606.2, NM_006722.3); c.602C>A, p.Ala201Glu (NM_001354607.2); c.653C>A, p.Ala218Glu (NM_198159.3); c.605C>A, p.Ala202Glu (NM_198177.3); c.164C>A, p.Ala55Glu (NM_198178.3); short protein forms A111E, A166E, A201E, A202E, A217E, A218E, A55E.
Identifiers: ClinVar variation 3749142 (VCV003749142.2).
Genomic context (GRCh38, chr3:69,939,168, plus strand): 5'-AGTTTGAAGAGCAAAACAGGGCAGAGAGCGAGTGCCCAGGCATGAACACACATTCACGAG[C>A]GTCCTGTATGCAGGTACTGAATGACTTGGCAGCCTGAGGATGAACACTTTGTAATGAGAA-3'
Protein context (NP_001341533.1, residues 208-228): ECPGMNTHSR[Ala218Glu]SCMQMDDVID

ClinVar aggregate classification (germline): Uncertain significance (1 of 4 stars; one submission).

Conditions:
Melanoma, cutaneous malignant, susceptibility to, 8. Also called: Cutaneous malignant melanoma 8; MELANOMA AND RENAL CELL CARCINOMA, SUSCEPTIBILITY TO. Identifiers: Orphanet 293822, MedGen C3152204, MONDO:0013759, OMIM 614456.
Tietz syndrome (TADS). Also called: HYPOPIGMENTATION/DEAFNESS OF TIETZ; TIETZ ALBINISM-DEAFNESS SYNDROME; ALBINISM-DEAFNESS OF TIETZ. Identifiers: Orphanet 42665, MedGen C0391816, MONDO:0007077, OMIM 103500.
Waardenburg syndrome type 2A (WS2A). Also called: WAARDENBURG SYNDROME WITHOUT DYSTOPIA CANTHORUM. Identifiers: Orphanet 3440, MedGen C1860339, MONDO:0008671, OMIM 193510.

gnomAD v4.1: 1 of 1,614,006 alleles (0.000062%); highest among the groups gnomAD compares: East Asian, 0.0022%; no homozygotes.

Submission:

Labcorp Genetics (formerly Invitae), Labcorp
Classification: Uncertain significance for Melanoma, cutaneous malignant, susceptibility to, 8; Waardenburg syndrome type 2A; Tietz syndrome. Last evaluated: 2024-08-27. Review status: criteria provided, single submitter. Criteria: Invitae Variant Classification Sherloc (09022015). Collection method: clinical testing. Allele origin: germline.
Comment: This sequence change replaces alanine, which is neutral and non-polar, with glutamic acid, which is acidic and polar, at codon 111 of the MITF protein (p.Ala111Glu). This variant is not present in population databases (gnomAD no frequency). This variant has not been reported in the literature in individuals affected with MITF-related conditions. An algorithm developed to predict the effect of missense changes on protein structure and function (PolyPhen-2) suggests that this variant is likely to be tolerated. In summary, the available evidence is currently insufficient to determine the role of this variant in disease. Therefore, it has been classified as a Variant of Uncertain Significance.